The following is an entry in ClinVar:

ClinVar aggregate classification (germline): Likely benign. Review status: criteria provided, multiple submitters, no conflicts (2 of 4 stars). 6 submissions from 6 submitters: Likely benign (6). Last evaluated 2025-06-06.

Conditions:
Cardiomyopathy (CMYO). Also called: Cardiomyopathies. Identifiers: Orphanet 167848, MedGen C0878544, MONDO:0004994, HP:0001638. Inheritance: Various modes of inheritance.
Cardiovascular phenotype. Identifiers: MedGen CN230736.
Arrhythmogenic cardiomyopathy with wooly hair and keratoderma. Also called: PALMOPLANTAR KERATODERMA WITH LEFT VENTRICULAR CARDIOMYOPATHY AND WOOLLY HAIR; Arrhythmogenic cardiomyopathy with woolly hair and keratoderma; Carvajal syndrome; Dilated cardiomyopathy with woolly hair and keratoderma. Identifiers: Orphanet 65282, MedGen C1854063, MONDO:0011581, OMIM 605676.
Arrhythmogenic right ventricular dysplasia 8 (ARVD8). Also called: ARRHYTHMOGENIC RIGHT VENTRICULAR CARDIOMYOPATHY 8; Arrhythmogenic Right Ventricular Dysplasia/Cardiomyopathy 8; ARRHYTHMOGENIC RIGHT VENTRICULAR DYSPLASIA, FAMILIAL, 8. Identifiers: MedGen C1843896, MONDO:0011831, OMIM 607450.

Allele frequency attached by ClinVar (database versions not stated): ExAC 0.00002; gnomAD exomes 0.00002; gnomAD 0.00003; TOPMed 0.00003.
gnomAD v4.1: 38 of 1,614,148 alleles (0.0024%); highest among the groups gnomAD compares: African/African-American, 0.004%; no homozygotes.

Submissions (6):

Labcorp Genetics (formerly Invitae), Labcorp
Classification: Likely benign for Arrhythmogenic cardiomyopathy with wooly hair and keratoderma; Arrhythmogenic right ventricular dysplasia 8. Last evaluated: 2025-06-06. Review status: criteria provided, single submitter. Criteria: Invitae Variant Classification Sherloc (09022015). Collection method: clinical testing. Allele origin: germline.

Blueprint Genetics
Classification: Likely benign. Last evaluated: 2024-08-06. Review status: criteria provided, single submitter. Criteria: ACMG Guidelines, 2015. Collection method: clinical testing. Allele origin: germline.

Women's Health and Genetics/Laboratory Corporation of America, LabCorp
Classification: Likely benign. Last evaluated: 2024-04-28. Review status: criteria provided, single submitter. Criteria: LabCorp Variant Classification Summary - May 2015. Collection method: clinical testing. Allele origin: germline.

All of Us Research Program, National Institutes of Health
Classification: Likely benign for Arrhythmogenic cardiomyopathy with wooly hair and keratoderma. Last evaluated: 2024-02-05. Review status: criteria provided, single submitter. Criteria: ACMG Guidelines, 2015. Collection method: clinical testing. Allele origin: germline. Inheritance: Autosomal dominant inheritance. Observed: 4 variant alleles, 4 heterozygotes.
Comment: This study involves interpretation of variants in research participants for the purpose of population health screening. Participant phenotype was not available at the time of variant classification. Additional details can be found in publication PMID: 35346344, PMCID: PMC8962531

Ambry Genetics
Classification: Likely benign for Cardiovascular phenotype. Last evaluated: 2023-03-16. Review status: criteria provided, single submitter. Criteria: Ambry Variant Classification Scheme 2023. Collection method: clinical testing. Allele origin: germline.

Color Diagnostics, LLC DBA Color Health
Classification: Likely benign for Cardiomyopathy. Last evaluated: 2019-06-13. Review status: criteria provided, single submitter. Criteria: ACMG Guidelines, 2015. Collection method: clinical testing. Allele origin: germline.

NM_004415.4(DSP):c.201C>T (p.Asn67=)

Gene: DSP (desmoplakin; plus strand). Cytogenetic location: 6p24.3.
Variant type: single nucleotide variant.
Coding change: c.201C>T on transcript NM_004415.4 (MANE Select); coding-DNA position 201, C replaced by T.
Protein change: p.Asn67=; no amino-acid change (asparagine 67 retained).
Molecular consequence: synonymous variant.
Genome position (GRCh38, 1-based): chr6:7,555,748, C>T. VCF-style: chr6-7555748-C-T. GRCh37 (hg19) VCF-style: chr6-7555981-C-T.
Other names: c.201C>T, p.Asn67= (NM_001008844.3, NM_001319034.2).
Identifiers: ClinVar variation 701059 (VCV000701059.18), dbSNP rs774432635, ClinGen allele CA031287.